The following is an entry in ClinVar:

ClinVar aggregate classification (germline): Pathogenic. Review status: criteria provided, multiple submitters, no conflicts (2 of 4 stars). 14 submissions from 13 submitters: Pathogenic (13). 1 of the submissions does not count toward it. Last evaluated 2025-12-09.

Conditions:
Familial colorectal cancer type X. Identifiers: Orphanet 440437, MedGen C3896578, MONDO:0018604.
Familial cancer of breast. Also called: hereditary breast carcinoma; BREAST CANCER, FAMILIAL; Hereditary breast cancer. Identifiers: Orphanet 227535, MedGen C0346153, MONDO:0016419, OMIM 114480. Disease mechanism: loss of function.
Ataxia-telangiectasia syndrome (AT). Also called: ATAXIA-TELANGIECTASIA, COMPLEMENTATION GROUP A; ATAXIA-TELANGIECTASIA, FRESNO VARIANT; Ataxia-telangiectasia; Ataxia-telangiectasia, complementation group E; Cerebello-oculocutaneous telangiectasia; Immunodeficiency with ataxia telangiectasia. Identifiers: Orphanet 100, MedGen C0004135, MONDO:0008840, OMIM 208900.
Hereditary cancer-predisposing syndrome. Also called: Hereditary Cancer Syndrome; Tumor predisposition; Neoplastic Syndromes, Hereditary; Hereditary neoplastic syndrome. Identifiers: Orphanet 140162, MedGen C0027672, MeSH D009386, MONDO:0015356.

Submissions (14):

Labcorp Genetics (formerly Invitae), Labcorp
Classification: Pathogenic for Ataxia-telangiectasia syndrome. Last evaluated: 2025-12-09. Review status: criteria provided, single submitter. Criteria: Invitae Variant Classification Sherloc (09022015). Collection method: clinical testing. Allele origin: germline.
Comment: This sequence change creates a premature translational stop signal (p.Asp2959Glyfs*3) in the ATM gene. It is expected to result in an absent or disrupted protein product. Loss-of-function variants in ATM are known to be pathogenic (PMID: 23807571, 25614872). This variant is present in population databases (rs770704493, gnomAD 0.006%). This premature translational stop signal has been observed in individual(s) with ataxia-telangiectasia (PMID: 12815592, 27664052). This variant is also known as 8875_8878delGACT and 8874_8877delTGAC. ClinVar contains an entry for this variant (Variation ID: 189140). For these reasons, this variant has been classified as Pathogenic.

3billion
Classification: Pathogenic for Ataxia-telangiectasia syndrome. Last evaluated: 2025-09-04. Review status: criteria provided, single submitter. Criteria: ACMG Guidelines, 2015. Collection method: clinical testing. Allele origin: germline. Affected: yes.
Comment: The variant is observed at an extremely low frequency in the gnomAD v4.1.0 dataset (total allele frequency: <0.001%). Predicted Consequence/Location: Frameshift: predicted to result in a loss or disruption of normal protein function through nonsense-mediated decay (NMD) or protein truncation. Multiple pathogenic variants are reported downstream of the variant. The variant has been reported at least twice as pathogenic with clinical assertions and evidence for the classification (ClinVar ID: VCV000189140 /PMID: 12815592). Therefore, this variant is classified as Pathogenic according to the recommendation of ACMG/AMP guideline.

Natera, Inc.
Classification: Pathogenic for Ataxia-telangiectasia. Last evaluated: 2025-03-21. Review status: criteria provided, single submitter. Criteria: Natera Variant Classification Schema (03/2026). Collection method: clinical testing. Allele origin: germline.
Comment: The c.8876_8879delACTG variant in ATM is a frameshift variant predicted to shift the reading frame beginning at codon 2959 and leads to a stop codon 3 codons downstream. This variant is expected to result in nonsense mediated decay, truncation, or a dysfunctional protein product. This variant is rare in the general population with a frequency below the threshold expected for the associated phenotype(s). This variant has been observed in one or more individuals affected with the associated recessive disease, as either homozygous or compound heterozygous with a second variant (PMID: 27664052). Given the available evidence, this variant is classified as Pathogenic.

Myriad Genetics, Inc.
Classification: Pathogenic for Familial cancer of breast. Last evaluated: 2024-02-06. Review status: criteria provided, single submitter. Criteria: Myriad Autosomal Dominant, Autosomal Recessive and X-Linked Classification Criteria (2023). Collection method: clinical testing. Allele origin: unknown.
Comment: This variant is considered pathogenic. This variant creates a frameshift predicted to result in premature protein truncation.

Baylor Genetics
Classification: Pathogenic for Familial cancer of breast. Last evaluated: 2023-12-27. Review status: criteria provided, single submitter. Criteria: ACMG Guidelines, 2015. Collection method: clinical testing. Allele origin: unknown.

GeneDx
Classification: Pathogenic. Last evaluated: 2023-06-04. Review status: criteria provided, single submitter. Criteria: GeneDx Variant Classification Process June 2021. Collection method: clinical testing. Allele origin: germline. Affected: yes.
Comment: Frameshift variant predicted to result in protein truncation or nonsense mediated decay in a gene for which loss of function is a known mechanism of disease; Not observed at significant frequency in large population cohorts (gnomAD); Truncating variants in this gene are considered pathogenic by a well-established clinical consortium and/or database; Also known as c.8874_8877delTGAC and c.8875_8878delGACT; This variant is associated with the following publications: (PMID: 28888541, 25479140, 31206626, 29922827, 23807571, 25614872, 36414972, 33280026, 12815592, 27664052)

Department of Pathology and Laboratory Medicine, Sinai Health System
Classification: Pathogenic for Familial colorectal cancer type X. Last evaluated: 2023-04-14. Review status: criteria provided, single submitter. Criteria: ACMG Guidelines, 2015. Collection method: clinical testing. Allele origin: germline. Affected: yes.

Ambry Genetics
Classification: Pathogenic for Hereditary cancer-predisposing syndrome. Last evaluated: 2023-03-14. Review status: criteria provided, single submitter. Criteria: Ambry Variant Classification Scheme 2023. Collection method: clinical testing. Allele origin: germline.
Comment: The c.8876_8879delACTG pathogenic mutation, located in coding exon 61 of the ATM gene, results from a deletion of 4 nucleotides at nucleotide positions 8876 to 8879, causing a translational frameshift with a predicted alternate stop codon (p.D2959Gfs*3). This mutation has been previously identified in three individuals with ataxia telangiectasia, two of whom carried a second truncating ATM mutation (Mitui M et al. Hum. Mutat. 2003 Jul;22:43-50; Carranza D et al. Neuromolecular Med. 2017 Mar;19:161-174). Of note, this alteration is also designated as 8874_8877delTGAC and 8875_8878delGACT in published literature. In addition to the clinical data presented in the literature, this alteration is expected to result in loss of function by premature protein truncation or nonsense-mediated mRNA decay. As such, this alteration is interpreted as a disease-causing mutation.

Revvity Omics, Revvity
Classification: Pathogenic for Ataxia-telangiectasia syndrome. Last evaluated: 2020-06-23. Review status: criteria provided, single submitter. Criteria: ACMG Guidelines, 2015. Collection method: clinical testing. Allele origin: germline.

Spanish ATM Cancer Susceptibility Variant Interpretation Working Group
Classification: Pathogenic for Hereditary cancer-predisposing syndrome. Last evaluated: 2020-06-17. Review status: criteria provided, single submitter. Criteria: Feliubadaló L et al. (Clin Chem 2021). Collection method: clinical testing. Allele origin: germline. Affected: yes. Observed: 2 heterozygotes. Clinical features observed: Breast carcinoma, Ovarian cancer.
Comment: The c.8876_8879del (p.Asp2959Glyfs*3) frameshift variant is predicted to result in a premature stop codon that leads to a truncated or absent protein, due to nonsense mediated decay (NMD) (PVS1). It has an allele frequency of 0.0013%, (3/236,852 alleles) in the gnomAD v2.1.1 non-cancer dataset, with a maximal frequency of 0.0058%, (2/34,246 alleles) in the Latino / Admixed American subpopulation (no population frequency criterion met). It has been described in trans with the likely pathogenic ATM variant c.8977C>T in an ataxia-telangiectasia proband and in homozygosis in another, which awards 1.5 points to this variant as per ClinGen SVI Recommendation for in trans Criterion (PM3; PMID: 12815592, 27664052). Lymphoblastoid cell lines of the homozygous patient showed no ATM protein expression and intermediate radiosensitivity (PS3_Supporting; PMID: 27664052). Therefore, this variant meets criteria to be classified as pathogenic. Adapted ACMG/AMP rules applied as defined by the Spanish ATM working group: PVS1 + PM3 + PS3_Supporting (PMID: 33280026).

Color Diagnostics, LLC DBA Color Health
Classification: Pathogenic for Hereditary cancer-predisposing syndrome. Last evaluated: 2020-01-15. Review status: criteria provided, single submitter. Criteria: ACMG Guidelines, 2015. Collection method: clinical testing. Allele origin: germline.
Comment: This variant deletes 4 nucleotides in exon 62 of the ATM gene, creating a frameshift and premature translation stop signal. This variant is expected to result in an absent or non-functional protein product. This variant has been identified in 3/251380 chromosomes in the general population by the Genome Aggregation Database (gnomAD). Loss of ATM function is a known mechanism of disease. Based on the available evidence, this variant is classified as Pathogenic.

Baylor Genetics
Classification: Pathogenic for Familial cancer of breast; Ataxia-telangiectasia syndrome. Last evaluated: 2019-11-25. Review status: criteria provided, single submitter. Criteria: ACMG Guidelines, 2015. Collection method: clinical testing. Allele origin: paternal. Inheritance: Autosomal recessive inheritance. Affected: yes.
Comment: This variant has been previously reported as pathogenic [PMID 12815592]. Defects in ATM are the cause of ataxia telangiectasia (AT) [MIM:208900], an autosomal recessive disorder characterized by progressive cerebellar ataxia, dilation of the blood vessels in the conjunctiva and eyeballs, immunodeficiency, growth retardation and sexual immaturity. Patients have a strong predisposition to cancer; about 30% of patients develop tumors, particularly lymphomas and leukemias. Cells from affected individuals are highly sensitive to damage by ionizing radiation and resistant to inhibition of DNA synthesis following irradiation.

Women's Health and Genetics/Laboratory Corporation of America, LabCorp
Classification: Pathogenic for Ataxia-telangiectasia syndrome. Last evaluated: 2019-11-07. Review status: criteria provided, single submitter. Criteria: LabCorp Variant Classification Summary - May 2015. Collection method: clinical testing. Allele origin: germline.
Comment: Variant summary: ATM c.8876_8879delACTG (p.Asp2959GlyfsX3) results in a premature termination codon, predicted to cause a truncation of the encoded protein or absence of the protein due to nonsense mediated decay, which are commonly known mechanisms for disease. The variant allele was found at a frequency of 1.2e-05 in 251380 control chromosomes (gnomAD). c.8876_8879delACTG has been reported in the literature in homozygous and compound heterozygous individuals affected with Ataxia-Telangiectasia (Carranza_2017, Mitui_2003). These data indicate that the variant is likely to be associated with disease. Experimental evidence evaluating an impact on protein function demonstrate the variant to cause absence of ATM protein expression and to confer intermediate radiosensitivity (Carranza_2017). Five ClinVar submitters (evaluation after 2014) cite the variant as pathogenic (n=4) / likely pathogenic (n=1). Based on the evidence outlined above, the variant was classified as pathogenic.

Counsyl
Classification: Likely pathogenic for Ataxia-telangiectasia syndrome. Last evaluated: 2015-01-21. Review status: no assertion criteria provided. Collection method: literature only. Allele origin: unknown. Inheritance: Autosomal recessive inheritance. Not counted in ClinVar's aggregate classification.

Literature cited by the submitters: PubMed 23807571 (cited by Labcorp Genetics (formerly Invitae), Labcorp); PubMed 25614872 (cited by Labcorp Genetics (formerly Invitae), Labcorp); PubMed 12815592 (cited by 8 submitters); PubMed 27664052 (cited by 6 submitters); PubMed 25479140 (cited by Women's Health and Genetics/Laboratory Corporation of America, LabCorp).

NM_000051.4(ATM):c.8876_8879del (p.Asp2959fs)

Genes: C11orf65 (chromosome 11 open reading frame 65; minus strand), ATM (ATM serine/threonine kinase; plus strand). Cytogenetic location: 11q22.3.
Variant type: Deletion.
Coding change: c.8876_8879del on transcript NM_000051.4 (MANE Select); coding-DNA positions 8876 to 8879, 4 bases deleted (ACTG; older notation c.8876_8879delACTG).
Protein change: p.Asp2959fs; shifts the reading frame from aspartic acid 2959.
Molecular consequence: frameshift variant. On other transcripts: intron variant (2).
Genome position (GRCh38, 1-based): chr11:108,365,107-108,365,110, ACTG deleted; deleting any 4 consecutive bases within chr11:108,365,105-108,365,110 gives the same sequence; the c. name uses the placement nearest the transcript's 3' end. VCF-style (leftmost placement, unchanged base first): chr11-108365104-TTGAC-T. GRCh37 (hg19) VCF-style: chr11-108235831-TTGAC-T.
Other names: c.8876_8879delACTG, p.Asp2959Glyfs (NM_000051.3); c.8876_8879del, p.Asp2959fs (NM_001351834.2); c.640+20812_640+20815del (NM_001330368.2); c.694+20812_694+20815del (NM_001351110.2); short protein forms D2959fs.
Identifiers: ClinVar variation 189140 (VCV000189140.44), dbSNP rs786204726, ClinGen allele CA274409.